The following is an entry in ClinVar:

NM_021098.3(CACNA1H):c.3987C>A (p.Ser1329Arg)

Gene: CACNA1H (calcium voltage-gated channel subunit alpha1 H; plus strand). Cytogenetic location: 16p13.3.
Variant type: single nucleotide variant.
Coding change: c.3987C>A on transcript NM_021098.3 (MANE Select); coding-DNA position 3987, C replaced by A.
Protein change: p.Ser1329Arg; replaces serine 1329 with arginine.
Molecular consequence: missense variant.
Genome position (GRCh38, 1-based): chr16:1,210,600, C>A. VCF-style: chr16-1210600-C-A. GRCh37 (hg19) VCF-style: chr16-1260600-C-A.
Other names: c.3987C>A, p.Ser1329Arg (NM_001005407.2); short protein forms S1329R.
Identifiers: ClinVar variation 1434419 (VCV001434419.8), dbSNP rs770769436, ClinGen allele CA7801070.

ClinVar aggregate classification (germline): Uncertain significance (1 of 4 stars; one submission).

Conditions:
Idiopathic generalized epilepsy. Also called: EIG; Generalised epilepsy. Identifiers: MedGen C0270850, MONDO:0005579, OMIM 600669.
Hyperaldosteronism, familial, type IV (HALD4). Also called: FH IV; ALDOSTERONISM, PRIMARY, AND HYPERTENSION. Identifiers: Orphanet 642671, MedGen C4310756, MONDO:0014875, OMIM 617027.

Allele frequency attached by ClinVar (database versions not stated): ExAC 0.00001.
gnomAD v4.1: 1 of 1,608,362 alleles (0.000062%); highest among the groups gnomAD compares: Non-Finnish European, 0.000085%; no homozygotes.

Submission:

Labcorp Genetics (formerly Invitae), Labcorp
Classification: Uncertain significance for Idiopathic generalized epilepsy; Hyperaldosteronism, familial, type IV. Last evaluated: 2022-08-31. Review status: criteria provided, single submitter. Criteria: Invitae Variant Classification Sherloc (09022015). Collection method: clinical testing. Allele origin: germline.
Comment: ClinVar contains an entry for this variant (Variation ID: 1434419). This variant has not been reported in the literature in individuals affected with CACNA1H-related conditions. This variant is present in population databases (rs770769436, gnomAD 0.002%). This sequence change replaces serine, which is neutral and polar, with arginine, which is basic and polar, at codon 1329 of the CACNA1H protein (p.Ser1329Arg). Advanced modeling of protein sequence and biophysical properties (such as structural, functional, and spatial information, amino acid conservation, physicochemical variation, residue mobility, and thermodynamic stability) performed at Invitae indicates that this missense variant is not expected to disrupt CACNA1H protein function. In summary, the available evidence is currently insufficient to determine the role of this variant in disease. Therefore, it has been classified as a Variant of Uncertain Significance.